The following is an entry in ClinVar:

NM_003995.4(NPR2):c.935G>A (p.Arg312His)

Gene: NPR2 (natriuretic peptide receptor 2; plus strand). Cytogenetic location: 9p13.3.
Variant type: single nucleotide variant.
Coding change: c.935G>A on transcript NM_003995.4 (MANE Select); coding-DNA position 935, G replaced by A.
Protein change: p.Arg312His; replaces arginine 312 with histidine.
Molecular consequence: missense variant.
Genome position (GRCh38, 1-based): chr9:35,799,679, G>A. VCF-style: chr9-35799679-G-A. GRCh37 (hg19) VCF-style: chr9-35799676-G-A.
Other names: c.935G>A (NM_003995.3); c.935G>A, p.Arg312His (NM_001378923.1); short protein forms R312H.
Identifiers: ClinVar variation 1377064 (VCV001377064.6), dbSNP rs774537988, ClinGen allele CA5051553.

ClinVar aggregate classification (germline): Uncertain significance. Review status: criteria provided, multiple submitters, no conflicts (2 of 4 stars). 2 submissions from 2 submitters: Uncertain significance (2). Last evaluated 2025-12-02.

Conditions:
Acromesomelic dysplasia 1, Maroteaux type (AMD1). Also called: ST. HELENA DYSPLASIA; ACROMESOMELIC DYSPLASIA 1. Identifiers: Orphanet 40, MedGen C1864356, MONDO:0011275, OMIM 602875.
Tall stature-scoliosis-macrodactyly of the great toes syndrome. Also called: Epiphyseal chondrodysplasia, miura type. Identifiers: Orphanet 329191, MedGen C4014690, MONDO:0014401, OMIM 615923.
Inborn genetic diseases. Identifiers: MedGen C0950123, MeSH D030342.

Allele frequency attached by ClinVar (database versions not stated): TOPMed 0.00001; ExAC 0.00004; gnomAD exomes 0.00004.

Submissions (2):

Ambry Genetics
Classification: Uncertain significance for Inborn genetic diseases. Last evaluated: 2025-12-02. Review status: criteria provided, single submitter. Criteria: Ambry Variant Classification Scheme 2023. Collection method: clinical testing. Allele origin: germline.

Labcorp Genetics (formerly Invitae), Labcorp
Classification: Uncertain significance for Tall stature-scoliosis-macrodactyly of the great toes syndrome; Acromesomelic dysplasia 1, Maroteaux type. Last evaluated: 2023-12-04. Review status: criteria provided, single submitter. Criteria: Invitae Variant Classification Sherloc (09022015). Collection method: clinical testing. Allele origin: germline.
Comment: This sequence change replaces arginine, which is basic and polar, with histidine, which is basic and polar, at codon 312 of the NPR2 protein (p.Arg312His). This variant is present in population databases (rs774537988, gnomAD 0.02%). This variant has not been reported in the literature in individuals affected with NPR2-related conditions. ClinVar contains an entry for this variant (Variation ID: 1377064). Advanced modeling of protein sequence and biophysical properties (such as structural, functional, and spatial information, amino acid conservation, physicochemical variation, residue mobility, and thermodynamic stability) performed at Invitae indicates that this missense variant is not expected to disrupt NPR2 protein function with a negative predictive value of 80%. In summary, the available evidence is currently insufficient to determine the role of this variant in disease. Therefore, it has been classified as a Variant of Uncertain Significance.